The following is an entry in ClinVar:

NM_001323289.2(CDKL5):c.532C>G (p.Arg178Gly)

Gene: CDKL5 (cyclin dependent kinase like 5; plus strand). Cytogenetic location: Xp22.13.
Variant type: single nucleotide variant.
Coding change: c.532C>G on transcript NM_001323289.2 (MANE Select); coding-DNA position 532, C replaced by G.
Protein change: p.Arg178Gly; replaces arginine 178 with glycine.
Molecular consequence: missense variant.
Genome position (GRCh38, 1-based): chrX:18,584,331, C>G. VCF-style: chrX-18584331-C-G. GRCh37 (hg19) VCF-style: chrX-18602451-C-G.
Other names: c.532C>G, p.Arg178Gly (NM_001037343.2, NM_003159.3); short protein forms R178G.
Identifiers: ClinVar variation 1071237 (VCV001071237.11), dbSNP rs267608493, ClinGen allele CA412352491.

ClinVar aggregate classification (germline): Pathogenic/Likely pathogenic. Review status: criteria provided, multiple submitters, no conflicts (2 of 4 stars). 3 submissions from 3 submitters: Pathogenic (2); Likely pathogenic (1). Last evaluated 2024-09-06.

Conditions:
CDKL5-related disorder.
Angelman syndrome-like. Identifiers: MedGen CN128785.
Developmental and epileptic encephalopathy, 2 (DEE2). Also called: INFANTILE SPASM SYNDROME, X-LINKED 2; CDKL5 deficiency disorder. Identifiers: Orphanet 1934, Orphanet 3451, Orphanet 505652, MedGen C4750718, MONDO:0010396, OMIM 300672.

Submissions (3):

Blueprint Genetics
Classification: Likely pathogenic for CDKL5-related disorders. Last evaluated: 2024-09-06. Review status: criteria provided, single submitter. Criteria: ACMG Guidelines, 2015. Collection method: clinical testing. Allele origin: germline. Affected: yes. Observed: 1 variant allele.

GeneDx
Classification: Pathogenic. Last evaluated: 2022-03-21. Review status: criteria provided, single submitter. Criteria: GeneDx Variant Classification Process June 2021. Collection method: clinical testing. Allele origin: germline. Affected: yes.
Comment: Not observed at significant frequency in large population cohorts (gnomAD); In silico analysis supports that this missense variant has a deleterious effect on protein structure/function; Has not been previously published as pathogenic or benign to our knowledge; This variant is associated with the following publications: (PMID: 18809835, 26482601, 19793311, 21770923, 26993267)

Labcorp Genetics (formerly Invitae), Labcorp
Classification: Pathogenic for Developmental and epileptic encephalopathy, 2; Angelman syndrome-like. Last evaluated: 2020-09-01. Review status: criteria provided, single submitter. Criteria: Invitae Variant Classification Sherloc (09022015). Collection method: clinical testing. Allele origin: germline.
Comment: This sequence change replaces arginine with glycine at codon 178 of the CDKL5 protein (p.Arg178Gly). The arginine residue is highly conserved and there is a moderate physicochemical difference between arginine and glycine. This variant is not present in population databases (ExAC no frequency). This variant has been observed in individual(s) with clinical features of CDKL5-related conditions (Invitae). In at least one individual the variant was observed to be de novo. Algorithms developed to predict the effect of missense changes on protein structure and function are either unavailable or do not agree on the potential impact of this missense change (SIFT: "Deleterious"; PolyPhen-2: "Probably Damaging"; Align-GVGD: "Class C0"). Algorithms developed to predict the effect of sequence changes on RNA splicing suggest that this variant may create or strengthen a splice site, but this prediction has not been confirmed by published transcriptional studies. This variant disrupts the p.Arg178 amino acid residue in CDKL5. Other variant(s) that disrupt this residue have been determined to be pathogenic (PMID: 18809835, 19793311, 21770923, 26482601, 26993267). This suggests that this residue is clinically significant, and that variants that disrupt this residue are likely to be disease-causing. For these reasons, this variant has been classified as Pathogenic.

Literature cited by the submitters: PubMed 18809835 (cited by Labcorp Genetics (formerly Invitae), Labcorp); PubMed 19793311 (cited by Labcorp Genetics (formerly Invitae), Labcorp); PubMed 21770923 (cited by Labcorp Genetics (formerly Invitae), Labcorp); PubMed 26482601 (cited by Labcorp Genetics (formerly Invitae), Labcorp); PubMed 26993267 (cited by Labcorp Genetics (formerly Invitae), Labcorp).